The following is an entry in ClinVar:

NM_005431.2(XRCC2):c.268C>T (p.Leu90Phe)

Gene: XRCC2 (X-ray repair cross complementing 2; minus strand). Cytogenetic location: 7q36.1.
Variant type: single nucleotide variant.
Coding change: c.268C>T on transcript NM_005431.2 (MANE Select); coding-DNA position 268, C replaced by T.
Protein change: p.Leu90Phe; replaces leucine 90 with phenylalanine.
Molecular consequence: missense variant.
Genome position (GRCh38, 1-based): chr7:152,649,217, G>A on the plus strand (C>T on the coding strand, the complement: XRCC2 is on the minus strand). VCF-style: chr7-152649217-G-A. GRCh37 (hg19) VCF-style: chr7-152346302-G-A.
Other names: c.268C>T (NM_005431.1); short protein forms L90F.
Identifiers: ClinVar variation 690294 (VCV000690294.10), dbSNP rs587780127, ClinGen allele CA169486954.

ClinVar aggregate classification (germline): Uncertain significance. Review status: criteria provided, multiple submitters, no conflicts (2 of 4 stars). 4 submissions from 4 submitters: Uncertain significance (3). 1 of the submissions does not count toward it. Last evaluated 2023-09-12.

Conditions:
XRCC2-related disorder. Also called: XRCC2-related condition.
Hereditary cancer-predisposing syndrome. Also called: Neoplastic Syndromes, Hereditary; Tumor predisposition; Hereditary neoplastic syndrome; Hereditary Cancer Syndrome. Identifiers: Orphanet 140162, MedGen C0027672, MeSH D009386, MONDO:0015356.

gnomAD v4.1: 1 of 1,613,886 alleles (0.000062%); highest among the groups gnomAD compares: East Asian, 0.0022%; no homozygotes.

Submissions (4):

Labcorp Genetics (formerly Invitae), Labcorp
Classification: Uncertain significance. Last evaluated: 2023-09-12. Review status: criteria provided, single submitter. Criteria: Invitae Variant Classification Sherloc (09022015). Collection method: clinical testing. Allele origin: germline.
Comment: In summary, the available evidence is currently insufficient to determine the role of this variant in disease. Therefore, it has been classified as a Variant of Uncertain Significance. Advanced modeling of protein sequence and biophysical properties (such as structural, functional, and spatial information, amino acid conservation, physicochemical variation, residue mobility, and thermodynamic stability) performed at Invitae indicates that this missense variant is not expected to disrupt XRCC2 protein function. ClinVar contains an entry for this variant (Variation ID: 690294). This missense change has been observed in individual(s) with breast cancer (PMID: 33558524). This variant is not present in population databases (gnomAD no frequency). This sequence change replaces leucine, which is neutral and non-polar, with phenylalanine, which is neutral and non-polar, at codon 90 of the XRCC2 protein (p.Leu90Phe).

Ambry Genetics
Classification: Uncertain significance for Hereditary cancer-predisposing syndrome. Last evaluated: 2023-05-01. Review status: criteria provided, single submitter. Criteria: Ambry Variant Classification Scheme 2023. Collection method: clinical testing. Allele origin: germline.
Comment: The p.L90F variant (also known as c.268C>T), located in coding exon 3 of the XRCC2 gene, results from a C to T substitution at nucleotide position 268. The leucine at codon 90 is replaced by phenylalanine, an amino acid with highly similar properties. This alteration was identified in an individual with a personal and/or family history of breast cancer (Moradian MM et al. Hum Genome Var, 2021 Feb;8:9). This amino acid position is highly conserved in available vertebrate species. In addition, this alteration is predicted to be tolerated by in silico analysis. Since supporting evidence is limited at this time, the clinical significance of this alteration remains unclear.

PreventionGenetics, part of Exact Sciences
Classification: Uncertain significance for XRCC2-related condition. Last evaluated: 2023-02-01. Review status: criteria provided, single submitter. Criteria: ACMG Guidelines, 2015. Collection method: clinical testing. Allele origin: germline.
Comment: The XRCC2 c.268C>T variant is predicted to result in the amino acid substitution p.Leu90Phe. This variant was reported in an individual with a personal and family history of breast and ovarian cancer. In addition, this patient also had an additional variant in ATM (Patient 45 in Moradian et al. 2021. PubMed ID: 33558524). This variant has not been reported in a large population database, indicating this variant is rare. This variant has been interpreted as uncertain in ClinVar. At this time, the clinical significance of this variant is uncertain due to the absence of conclusive functional and genetic evidence.

Center of Medical Genetics and Primary Health Care
Classification: Uncertain significance for Hereditary cancer-predisposing syndrome. Last evaluated: 2020-04-08. Review status: no assertion criteria provided. Collection method: research. Allele origin: germline. Affected: yes. Observed: 1 heterozygote. Not counted in ClinVar's aggregate classification.
Comment: ACMG Guidelines 2015 criteria PM2 Pathogenic Moderate: Variant not found in GnomAD exomes. Variant not found in GnomAD genomes. BP1 Benign Supporting: 8 out of 8 non-VUS missense variants in gene XRCC2 are BEN = 100.0% > threshold of 51.0%, and 58 out of 170 clinically reported variants in gene XRCC2 are BEN = 34.1% > threshold of 24.0%. BP4 Benign Supporting: 6 benign predictions from DEOGEN2, EIGEN, M-CAP, MVP, PrimateAI and REVEL vs 5 pathogenic predictions from DANN, FATHMM-MKL, MutationAssessor, MutationTaster and SIFT and the position is not conserved. It was reported that XRCC2 mutations increase the risk of breast cancer (Park DJ et al, Am J Hum Genet. 2012). Therefore, the provided information and insufficient and this variant was classified as a Variant of Unknown Significance.

Literature cited by the submitters: PubMed 33558524 (cited by Labcorp Genetics (formerly Invitae), Labcorp and Ambry Genetics).